The following is an entry in ClinVar:

NM_152564.5(VPS13B):c.1849A>G (p.Lys617Glu)

Gene: VPS13B (vacuolar protein sorting 13 homolog B; plus strand). Cytogenetic location: 8q22.2.
Variant type: single nucleotide variant.
Coding change: c.1849A>G on transcript NM_152564.5 (MANE Select); coding-DNA position 1849, A replaced by G.
Protein change: p.Lys617Glu; replaces lysine 617 with glutamic acid.
Molecular consequence: missense variant.
Genome position (GRCh38, 1-based): chr8:99,147,846, A>G. VCF-style: chr8-99147846-A-G. GRCh37 (hg19) VCF-style: chr8-100160074-A-G.
Other names: c.1849A>G, p.Lys617Glu (NM_015243.3, NM_017890.5); short protein forms K617E.
Identifiers: ClinVar variation 1364898 (VCV001364898.3), dbSNP rs1810824609, ClinGen allele CA371864238.

ClinVar aggregate classification (germline): Uncertain significance (1 of 4 stars; one submission).

Conditions:
Cohen syndrome (COH1). Also called: PEPPER SYNDROME; Cutis verticis gyrata, retinitis pigmentosa, and sensorineural deafness. Identifiers: Orphanet 193, MedGen C0265223, MONDO:0008999, OMIM 216550.

Allele frequency attached by ClinVar (database versions not stated): TOPMed below 0.00001.

Submission:

Labcorp Genetics (formerly Invitae), Labcorp
Classification: Uncertain significance for Cohen syndrome. Last evaluated: 2022-07-18. Review status: criteria provided, single submitter. Criteria: Invitae Variant Classification Sherloc (09022015). Collection method: clinical testing. Allele origin: germline.
Comment: This sequence change replaces lysine with glutamic acid at codon 617 of the VPS13B protein (p.Lys617Glu). The lysine residue is weakly conserved and there is a small physicochemical difference between lysine and glutamic acid. This variant is not present in population databases (gnomAD no frequency). This variant has not been reported in the literature in individuals affected with VPS13B-related conditions. ClinVar contains an entry for this variant (Variation ID: 1364898). Algorithms developed to predict the effect of missense changes on protein structure and function are either unavailable or do not agree on the potential impact of this missense change (SIFT: "Not Available"; PolyPhen-2: "Possibly Damaging"; Align-GVGD: "Not Available"). In summary, the available evidence is currently insufficient to determine the role of this variant in disease. Therefore, it has been classified as a Variant of Uncertain Significance.